The following is an entry in ClinVar:

NM_012213.3(MLYCD):c.528+2T>A

Genes: MLYCD (malonyl-CoA decarboxylase; plus strand), LOC130059555 (ATAC-STARR-seq lymphoblastoid silent region 7770; plus strand). Cytogenetic location: 16q23.3.
Variant type: single nucleotide variant.
Coding change: c.528+2T>A on transcript NM_012213.3 (MANE Select); the canonical splice donor site of the intron after coding-DNA position 528, T replaced by A.
Molecular consequence: splice donor variant.
Genome position (GRCh38, 1-based): chr16:83,899,674, T>A. VCF-style: chr16-83899674-T-A. GRCh37 (hg19) VCF-style: chr16-83933279-T-A.
Identifiers: ClinVar variation 2823631 (VCV002823631.3), dbSNP rs1597286264, ClinGen allele CA396918504.

ClinVar aggregate classification (germline): Likely pathogenic (1 of 4 stars; one submission).

Conditions:
Deficiency of malonyl-CoA decarboxylase. Also called: Malonic aciduria; MCD deficiency. Identifiers: Orphanet 943, MedGen C0342793, MONDO:0009556, OMIM 248360.

Submission:

Labcorp Genetics (formerly Invitae), Labcorp
Classification: Likely pathogenic for Deficiency of malonyl-CoA decarboxylase. Last evaluated: 2023-03-04. Review status: criteria provided, single submitter. Criteria: Invitae Variant Classification Sherloc (09022015). Collection method: clinical testing. Allele origin: germline.
Comment: Algorithms developed to predict the effect of sequence changes on RNA splicing suggest that this variant may disrupt the consensus splice site. In summary, the currently available evidence indicates that the variant is pathogenic, but additional data are needed to prove that conclusively. Therefore, this variant has been classified as Likely Pathogenic. This variant has not been reported in the literature in individuals affected with MLYCD-related conditions. This variant is not present in population databases (gnomAD no frequency). This sequence change affects a donor splice site in intron 1 of the MLYCD gene. It is expected to disrupt RNA splicing. Variants that disrupt the donor or acceptor splice site typically lead to a loss of protein function (PMID: 16199547), and loss-of-function variants in MLYCD are known to be pathogenic (PMID: 12955715, 17186413).

Literature cited by the submitters: PubMed 16199547; PubMed 12955715; PubMed 17186413.